The following is an entry in ClinVar:

NM_006087.4(TUBB4A):c.1088T>C (p.Met363Thr)

Gene: TUBB4A (tubulin beta 4A class IVa; minus strand). Cytogenetic location: 19p13.3.
Variant type: single nucleotide variant.
Coding change: c.1088T>C on transcript NM_006087.4 (MANE Select); coding-DNA position 1088, T replaced by C.
Protein change: p.Met363Thr; replaces methionine 363 with threonine.
Molecular consequence: missense variant.
Genome position (GRCh38, 1-based): chr19:6,495,411, A>G on the plus strand (T>C on the coding strand, the complement: TUBB4A is on the minus strand). VCF-style: chr19-6495411-A-G. GRCh37 (hg19) VCF-style: chr19-6495422-A-G.
Other names: c.1241T>C, p.Met414Thr (NM_001289123.2); c.1223T>C, p.Met408Thr (NM_001289127.2); c.1088T>C, p.Met363Thr (NM_001289129.2); c.872T>C, p.Met291Thr (NM_001289130.2, NM_001289131.2); short protein forms M291T, M363T, M408T, M414T.
Identifiers: ClinVar variation 4855950 (VCV004855950.2).

ClinVar aggregate classification (germline): Conflicting classifications of pathogenicity. Review status: criteria provided, conflicting classifications (1 of 4 stars). 2 submissions from 2 submitters: Likely pathogenic (1); Uncertain significance (1). Last evaluated 2026-01-13.

Conditions:
Leukodystrophy, hypomyelinating, 6. Also called: LEUKODYSTROPHY, HYPOMYELINATING, WITH ATROPHY OF THE BASAL GANGLIA AND CEREBELLUM; TUBB4A-Associated Leukodystrophy; Hypomyelination with Atrophy of Basal Ganglia and Cerebellum (H-ABC). Identifiers: Orphanet 139441, MedGen C2676244, MONDO:0012905, OMIM 612438.
TUBB4A-related disorder. Also called: TUBB4A-related condition.

Submissions (2):

3billion
Classification: Uncertain significance for Leukodystrophy, hypomyelinating, 6. Last evaluated: 2026-01-13. Review status: criteria provided, single submitter. Criteria: ACMG Guidelines, 2015. Collection method: clinical testing. Allele origin: germline. Affected: yes.
Comment: The variant is not observed in the gnomAD v4.1.0 dataset. Predicted Consequence/Location: Missense variant. Missense changes are a common disease-causing mechanism. In silico tool predictions suggest damaging effect of the variant on gene or gene product [REVEL: 0.81 (>=0.6, sensitivity 0.68 and specificity 0.92); 3Cnet: 0.94 (> 0.75, sensitivity 0.96 and precision 0.92)]. The variant has been reported as of uncertain significance (MID: 31433517). Therefore, this variant is classified as VUS according to the recommendation of ACMG/AMP guideline.

Blueprint Genetics
Classification: Likely pathogenic for TUBB4A-related disorders. Last evaluated: 2019-05-11. Review status: criteria provided, single submitter. Criteria: ACMG Guidelines, 2015. Collection method: clinical testing. Allele origin: de novo. Affected: yes. Observed: 1 variant allele.